The following is an entry in ClinVar:

ClinVar aggregate classification (germline): Pathogenic (1 of 4 stars; one submission).

Conditions:
Long QT syndrome (LQTS). Identifiers: MedGen C0023976, MeSH D008133, MONDO:0002442. Disease mechanism: loss of function. Inheritance: Various modes of inheritance.

Submission:

Labcorp Genetics (formerly Invitae), Labcorp
Classification: Pathogenic for Long QT syndrome. Last evaluated: 2022-06-23. Review status: criteria provided, single submitter. Criteria: Invitae Variant Classification Sherloc (09022015). Collection method: clinical testing. Allele origin: germline.
Comment: This sequence change creates a premature translational stop signal (p.Ile257Thrfs*5) in the KCNQ1 gene. It is expected to result in an absent or disrupted protein product. Loss-of-function variants in KCNQ1 are known to be pathogenic (PMID: 9323054, 19862833). This variant is not present in population databases (gnomAD no frequency). For these reasons, this variant has been classified as Pathogenic. This variant has not been reported in the literature in individuals affected with KCNQ1-related conditions.

Literature cited by the submitters: PubMed 9323054; PubMed 19862833.

NM_000218.3(KCNQ1):c.770_773del (p.Ile257fs)

Gene: KCNQ1 (potassium voltage-gated channel subfamily Q member 1; plus strand). Cytogenetic location: 11p15.5.
Variant type: Deletion.
Coding change: c.770_773del on transcript NM_000218.3 (MANE Select); coding-DNA positions 770 to 773, 4 bases deleted (TCCA; older notation c.770_773delTCCA).
Protein change: p.Ile257fs; shifts the reading frame from isoleucine 257.
Molecular consequence: frameshift variant.
Genome position (GRCh38, 1-based): chr11:2,572,099-2,572,102, TCCA deleted; deleting any 4 consecutive bases within chr11:2,572,097-2,572,102 gives the same sequence; the c. name uses the placement nearest the transcript's 3' end. VCF-style (leftmost placement, unchanged base first): chr11-2572096-TCATC-T. GRCh37 (hg19) VCF-style: chr11-2593326-TCATC-T.
Other names: c.770_773delTCCA, p.Ile257Thrfs (NM_001406836.1); c.500_503delTCCA, p.Ile167Thrfs (NM_001406837.1); c.389_392delTCCA, p.Ile130Thrfs (NM_181798.2); short protein forms I257fs, I130fs.
Identifiers: ClinVar variation 1437397 (VCV001437397.8), dbSNP rs2133730716, ClinGen allele CA2573146073.